The following is an entry in ClinVar:

ClinVar aggregate classification (germline): Uncertain significance. Review status: criteria provided, multiple submitters, no conflicts (2 of 4 stars). 8 submissions from 8 submitters: Uncertain significance (7). 1 of the submissions does not count toward it. Last evaluated 2024-09-18.

Conditions:
Inborn genetic diseases. Identifiers: MedGen C0950123, MeSH D030342.
High myopia. Also called: Severe Myopia. Identifiers: MedGen C0271183, HP:0011003.
Hereditary spastic paraplegia 48. Also called: SPASTIC PARAPLEGIA 48, AUTOSOMAL RECESSIVE; Spastic paraplegia 48. Identifiers: Orphanet 306511, MedGen C3150901, MONDO:0013342, OMIM 613647.

Allele frequency attached by ClinVar (database versions not stated): TOPMed 0.00010; gnomAD exomes 0.00017; gnomAD 0.00029; ESP Exome Variant Server 0.00032; ExAC 0.00035.

Submissions (8):

Blueprint Genetics
Classification: Uncertain significance. Last evaluated: 2024-09-18. Review status: criteria provided, single submitter. Criteria: ACMG Guidelines, 2015. Collection method: clinical testing. Allele origin: germline.

Mayo Clinic Laboratories, Mayo Clinic
Classification: Uncertain significance. Last evaluated: 2023-11-01. Review status: criteria provided, single submitter. Criteria: ACMG Guidelines, 2015. Collection method: clinical testing. Allele origin: germline. Observed: 2 variant alleles.
Comment: PP3, PM2_moderate

Labcorp Genetics (formerly Invitae), Labcorp
Classification: Uncertain significance for Hereditary spastic paraplegia 48. Last evaluated: 2022-08-25. Review status: criteria provided, single submitter. Criteria: Invitae Variant Classification Sherloc (09022015). Collection method: clinical testing. Allele origin: germline.
Comment: This sequence change replaces threonine, which is neutral and polar, with methionine, which is neutral and non-polar, at codon 224 of the AP5Z1 protein (p.Thr224Met). This variant is present in population databases (rs201862383, gnomAD 0.04%). This variant has not been reported in the literature in individuals affected with AP5Z1-related conditions. ClinVar contains an entry for this variant (Variation ID: 538860). Algorithms developed to predict the effect of missense changes on protein structure and function (SIFT, PolyPhen-2, Align-GVGD) all suggest that this variant is likely to be disruptive. In summary, the available evidence is currently insufficient to determine the role of this variant in disease. Therefore, it has been classified as a Variant of Uncertain Significance.

Ambry Genetics
Classification: Uncertain significance for Inborn genetic diseases. Last evaluated: 2021-04-20. Review status: criteria provided, single submitter. Criteria: Ambry Variant Classification Scheme 2023. Collection method: clinical testing. Allele origin: germline.

GeneDx
Classification: Uncertain significance. Last evaluated: 2020-10-01. Review status: criteria provided, single submitter. Criteria: GeneDx Variant Classification Process June 2021. Collection method: clinical testing. Allele origin: germline. Affected: yes.
Comment: In silico analysis supports that this missense variant has a deleterious effect on protein structure/function; In silico analysis, which includes splice predictors and evolutionary conservation, suggests this variant may impact gene splicing. In the absence of RNA/functional studies, the actual effect of this sequence change is unknown.; Has not been previously published as pathogenic or benign to our knowledge

Illumina Laboratory Services, Illumina
Classification: Uncertain significance for Hereditary spastic paraplegia 48. Last evaluated: 2018-01-13. Review status: criteria provided, single submitter. Criteria: ICSL Variant Classification Criteria 13 December 2019. Collection method: clinical testing. Allele origin: germline.

Breakthrough Genomics
Classification: Uncertain significance. Review status: criteria provided, single submitter. Criteria: ACMG Guidelines, 2015. Collection method: not provided. Allele origin: germline. Inheritance: Autosomal recessive inheritance. Affected: yes.

Institute of Human Genetics, Polish Academy of Sciences
Classification: Uncertain significance for Severe Myopia. Last evaluated: 2018-12-17. Review status: no assertion criteria provided. Collection method: research. Allele origin: unknown. Affected: yes. Not counted in ClinVar's aggregate classification.

NM_014855.3(AP5Z1):c.671C>T (p.Thr224Met)

Gene: AP5Z1 (adaptor related protein complex 5 subunit zeta 1; plus strand). Cytogenetic location: 7p22.1.
Variant type: single nucleotide variant.
Coding change: c.671C>T on transcript NM_014855.3 (MANE Select); coding-DNA position 671, C replaced by T.
Protein change: p.Thr224Met; replaces threonine 224 with methionine.
Molecular consequence: missense variant. On other transcripts: non-coding transcript variant (1).
Genome position (GRCh38, 1-based): chr7:4,784,252, C>T. VCF-style: chr7-4784252-C-T. GRCh37 (hg19) VCF-style: chr7-4823883-C-T.
Other names: p.Thr224Met; c.671C>T, p.Thr224Met (LRG_1247t1); c.203C>T, p.Thr68Met (NM_001364858.1); short protein forms T224M, T68M.
Identifiers: ClinVar variation 538860 (VCV000538860.18), dbSNP rs201862383, ClinGen allele CA4137311.